The following is an entry in ClinVar:

NM_000211.5(ITGB2):c.503T>C (p.Phe168Ser)

Gene: ITGB2 (integrin subunit beta 2; minus strand). Cytogenetic location: 21q22.3.
Variant type: single nucleotide variant.
Coding change: c.503T>C on transcript NM_000211.5 (MANE Select); coding-DNA position 503, T replaced by C.
Protein change: p.Phe168Ser; replaces phenylalanine 168 with serine.
Molecular consequence: missense variant.
Genome position (GRCh38, 1-based): chr21:44,901,730, A>G on the plus strand (T>C on the coding strand, the complement: ITGB2 is on the minus strand). VCF-style: chr21-44901730-A-G. GRCh37 (hg19) VCF-style: chr21-46321645-A-G.
Other names: c.503T>C, p.Phe168Ser (NM_001127491.3); c.296T>C, p.Phe99Ser (NM_001303238.2); short protein forms F99S, F168S.
Identifiers: ClinVar variation 863142 (VCV000863142.11), dbSNP rs2083962255, ClinGen allele CA410476561.

ClinVar aggregate classification (germline): Uncertain significance. Review status: criteria provided, multiple submitters, no conflicts (2 of 4 stars). 2 submissions from 2 submitters: Uncertain significance (2). Last evaluated 2021-09-01.

Conditions:
Leukocyte adhesion deficiency 1 (LAD1). Also called: LAD 1; Lymphocyte function-associated antigen 1 immunodeficiency; LFA 1 immunodeficiency; LEUKOCYTE ADHESION DEFICIENCY, TYPE I. Identifiers: Orphanet 2968, Orphanet 99842, MedGen C0398738, MONDO:0007293, OMIM 116920.

Allele frequency attached by ClinVar (database versions not stated): gnomAD exomes below 0.00001.
gnomAD v4.1: 1 of 1,609,658 alleles (0.000062%); highest among the groups gnomAD compares: Non-Finnish European, 0.000085%; no homozygotes.

Submissions (2):

Labcorp Genetics (formerly Invitae), Labcorp
Classification: Uncertain significance for Leukocyte adhesion deficiency 1. Last evaluated: 2021-09-01. Review status: criteria provided, single submitter. Criteria: Invitae Variant Classification Sherloc (09022015). Collection method: clinical testing. Allele origin: germline.
Comment: This sequence change replaces phenylalanine with serine at codon 168 of the ITGB2 protein (p.Phe168Ser). The phenylalanine residue is highly conserved and there is a large physicochemical difference between phenylalanine and serine. This variant is not present in population databases (ExAC no frequency). This missense change has been observed in individual(s) with clinical features of leukocyte adhesion deficiency (Invitae). Algorithms developed to predict the effect of missense changes on protein structure and function (SIFT, PolyPhen-2, Align-GVGD) all suggest that this variant is likely to be disruptive. In summary, the available evidence is currently insufficient to determine the role of this variant in disease. Therefore, it has been classified as a Variant of Uncertain Significance.

Mayo Clinic Laboratories, Mayo Clinic
Classification: Uncertain significance. Last evaluated: 2020-03-20. Review status: criteria provided, single submitter. Criteria: ACMG Guidelines, 2015. Collection method: clinical testing. Allele origin: germline. Observed: 1 variant allele.